The following is an entry in ClinVar:

ClinVar aggregate classification (germline): Uncertain significance (1 of 4 stars; one submission).

Conditions:
CHARGE syndrome (CHARGE). Also called: Hittner Hirsch Kreh syndrome; Coloboma, heart anomaly, choanal atresia, retardation, genital and ear anomalies; CHARGE association; Hall-Hittner syndrome; CHARGE ASSOCIATION--COLOBOMA, HEART ANOMALY, CHOANAL ATRESIA, RETARDATION, GENITAL AND EAR ANOMALIES. Identifiers: Orphanet 138, MedGen C0265354, MONDO:0008965.

Submission:

Labcorp Genetics (formerly Invitae), Labcorp
Classification: Uncertain significance for CHARGE syndrome. Last evaluated: 2025-01-27. Review status: criteria provided, single submitter. Criteria: Invitae Variant Classification Sherloc (09022015). Collection method: clinical testing. Allele origin: germline.
Comment: This sequence change falls in intron 5 of the SEMA3E gene. It does not directly change the encoded amino acid sequence of the SEMA3E protein. It affects a nucleotide within the consensus splice site. This variant is not present in population databases (gnomAD no frequency). This variant has not been reported in the literature in individuals affected with SEMA3E-related conditions. ClinVar contains an entry for this variant (Variation ID: 957408). Variants that disrupt the consensus splice site are a relatively common cause of aberrant splicing (PMID: 17576681, 9536098). Algorithms developed to predict the effect of sequence changes on RNA splicing suggest that this variant may disrupt the consensus splice site. In summary, the available evidence is currently insufficient to determine the role of this variant in disease. Therefore, it has been classified as a Variant of Uncertain Significance.

Literature cited by the submitters: PubMed 17576681; PubMed 9536098.

NM_012431.3(SEMA3E):c.550+6T>A

Gene: SEMA3E (semaphorin 3E; minus strand). Cytogenetic location: 7q21.11.
Variant type: single nucleotide variant.
Coding change: c.550+6T>A on transcript NM_012431.3 (MANE Select); 6 bases into the intron after coding-DNA position 550, T replaced by A.
Molecular consequence: intron variant.
Genome position (GRCh38, 1-based): chr7:83,418,384, A>T on the plus strand (T>A on the coding strand, the complement: SEMA3E is on the minus strand). VCF-style: chr7-83418384-A-T. GRCh37 (hg19) VCF-style: chr7-83047700-A-T.
Other names: c.370+6T>A (NM_001178129.2).
Identifiers: ClinVar variation 957408 (VCV000957408.9), dbSNP rs1788600213, ClinGen allele CA1139660110.
Genomic context (GRCh38, chr7:83,418,384, plus strand): 5'-GAAGTTGAAATATATGTTTTAAAATCCTTATGACTACCACCTGATGTCTGTGGCAATGAC[A>T]ATTACCAATTAAAGTGGAGATGAAGGAGGAGCTGGGGTCAAAAGGACATCTGCCCCTTCC-3'